The following is an entry in ClinVar:

ClinVar aggregate classification (germline): Uncertain significance (1 of 4 stars; one submission).

Allele frequency attached by ClinVar (database versions not stated): gnomAD exomes below 0.00001.

Submission:

Labcorp Genetics (formerly Invitae), Labcorp
Classification: Uncertain significance. Last evaluated: 2021-09-24. Review status: criteria provided, single submitter. Criteria: Invitae Variant Classification Sherloc (09022015). Collection method: clinical testing. Allele origin: germline.
Comment: This sequence change replaces leucine with phenylalanine at codon 403 of the ASNS protein (p.Leu403Phe). The leucine residue is highly conserved and there is a small physicochemical difference between leucine and phenylalanine. This variant is not present in population databases (ExAC no frequency). This variant has not been reported in the literature in individuals with ASNS-related conditions. Advanced modeling of protein sequence and biophysical properties (such as structural, functional, and spatial information, amino acid conservation, physicochemical variation, residue mobility, and thermodynamic stability) performed at Invitae indicates that this missense variant is expected to disrupt ASNS protein function. In summary, the available evidence is currently insufficient to determine the role of this variant in disease. Therefore, it has been classified as a Variant of Uncertain Significance.

NM_001673.5(ASNS):c.1207C>T (p.Leu403Phe)

Genes: ASNS (asparagine synthetase (glutamine-hydrolyzing); minus strand), CZ1P-ASNS (CZ1P-ASNS readthrough; minus strand). Cytogenetic location: 7q21.3.
Variant type: single nucleotide variant.
Coding change: c.1207C>T on transcript NM_001673.5 (MANE Select); coding-DNA position 1207, C replaced by T.
Protein change: p.Leu403Phe; replaces leucine 403 with phenylalanine.
Molecular consequence: missense variant. On other transcripts: non-coding transcript variant (1).
Genome position (GRCh38, 1-based): chr7:97,854,611, G>A on the plus strand (C>T on the coding strand, the complement: ASNS is on the minus strand). VCF-style: chr7-97854611-G-A. GRCh37 (hg19) VCF-style: chr7-97483923-G-A.
Other names: c.1144C>T, p.Leu382Phe (NM_001178075.2); c.958C>T, p.Leu320Phe (NM_001178076.2, NM_001178077.1); c.1207C>T, p.Leu403Phe (NM_001352496.2, NM_133436.3, NM_183356.4); short protein forms L320F, L382F, L403F.
Identifiers: ClinVar variation 1505819 (VCV001505819.5), dbSNP rs1562813223, ClinGen allele CA368265370.